The following is an entry in ClinVar:

ClinVar aggregate classification (germline): Uncertain significance (1 of 4 stars; one submission).

Conditions:
Wilson disease (WND). Also called: Wilson's disease. Identifiers: Orphanet 905, MedGen C0019202, MONDO:0010200, OMIM 277900. Disease mechanism: loss of function.

Submission:

Color Diagnostics, LLC DBA Color Health
Classification: Uncertain significance for Wilson disease. Last evaluated: 2025-07-07. Review status: criteria provided, single submitter. Criteria: ACMG Guidelines, 2015. Collection method: clinical testing. Allele origin: germline.
Comment: This missense variant replaces asparagine with serine at codon 1237 of the ATP7B protein. Computational prediction suggests that this variant may not impact protein structure and function. To our knowledge, functional studies have not been reported for this variant. This variant has not been reported in individuals affected with ATP7B-related disorders in the literature. This variant has not been identified in the general population by the Genome Aggregation Database (gnomAD). The available evidence is insufficient to determine the role of this variant in disease conclusively. Therefore, this variant is classified as a Variant of Uncertain Significance.

NM_000053.4(ATP7B):c.3710A>G (p.Asn1237Ser)

Gene: ATP7B (ATPase copper transporting beta; minus strand). Cytogenetic location: 13q14.3.
Variant type: single nucleotide variant.
Coding change: c.3710A>G on transcript NM_000053.4 (MANE Select); coding-DNA position 3710, A replaced by G.
Protein change: p.Asn1237Ser; replaces asparagine 1237 with serine.
Molecular consequence: missense variant. On other transcripts: intron variant (1).
Genome position (GRCh38, 1-based): chr13:51,937,669, T>C on the plus strand (A>G on the coding strand, the complement: ATP7B is on the minus strand). VCF-style: chr13-51937669-T-C. GRCh37 (hg19) VCF-style: chr13-52511805-T-C.
Other names: c.3089A>G, p.Asn1030Ser (NM_001005918.3); c.3377A>G, p.Asn1126Ser (NM_001243182.2); c.3476A>G, p.Asn1159Ser (NM_001330578.2, NM_001406527.1, NM_001406528.1); c.3458A>G, p.Asn1153Ser (NM_001330579.2, NM_001406531.1, NM_001406532.1); c.3710A>G, p.Asn1237Ser (NM_001406511.1, NM_001406512.1); c.3704A>G, p.Asn1235Ser (NM_001406513.1); c.3677A>G, p.Asn1226Ser (NM_001406514.1); c.3656A>G, p.Asn1219Ser (NM_001406515.1, NM_001406516.1); and 21 more; short protein forms N1010S, N1021S, N1030S, N1043S, N1073S, N1075S, N1088S, N1094S.
Identifiers: ClinVar variation 4757601 (VCV004757601.1).